The following is an entry in ClinVar:

ClinVar aggregate classification (germline): Likely benign. Review status: criteria provided, multiple submitters, no conflicts (2 of 4 stars). 2 submissions from 2 submitters: Likely benign (2). Last evaluated 2024-07-16.

Conditions:
Familial isolated arrhythmogenic right ventricular dysplasia. Identifiers: Orphanet 217656, MedGen C4274968, MONDO:0016342.
Arrhythmogenic right ventricular dysplasia 11. Also called: ARRHYTHMOGENIC RIGHT VENTRICULAR DYSPLASIA, FAMILIAL, 11; Arrhythmogenic Right Ventricular Dysplasia/Cardiomyopathy11; Arrhythmogenic right ventricular dysplasia 11 with mild palmoplantar keratoderma and woolly hair. Identifiers: MedGen C1864850, MONDO:0012506, OMIM 610476.

gnomAD v4.1: 1 of 1,614,028 alleles (0.000062%); highest among the groups gnomAD compares: East Asian, 0.0022%; no homozygotes.

Submissions (2):

Labcorp Genetics (formerly Invitae), Labcorp
Classification: Likely benign for Arrhythmogenic right ventricular dysplasia 11. Last evaluated: 2024-07-16. Review status: criteria provided, single submitter. Criteria: Invitae Variant Classification Sherloc (09022015). Collection method: clinical testing. Allele origin: germline.

All of Us Research Program, National Institutes of Health
Classification: Likely benign for Familial isolated arrhythmogenic right ventricular dysplasia. Last evaluated: 2024-04-16. Review status: criteria provided, single submitter. Criteria: ACMG Guidelines, 2015. Collection method: clinical testing. Allele origin: germline. Inheritance: Autosomal dominant inheritance. Observed: 1 variant allele, 1 heterozygote.
Comment: This study involves interpretation of variants in research participants for the purpose of population health screening. Participant phenotype was not available at the time of variant classification. Additional details can be found in publication PMID: 35346344, PMCID: PMC8962531

NM_024422.6(DSC2):c.2433A>T (p.Gly811=)

Gene: DSC2 (desmocollin 2; minus strand). Cytogenetic location: 18q12.1.
Variant type: single nucleotide variant.
Coding change: c.2433A>T on transcript NM_024422.6 (MANE Select); coding-DNA position 2433, A replaced by T.
Protein change: p.Gly811=; no amino-acid change (glycine 811 retained).
Molecular consequence: synonymous variant.
Genome position (GRCh38, 1-based): chr18:31,068,969, T>A on the plus strand (A>T on the coding strand, the complement: DSC2 is on the minus strand). VCF-style: chr18-31068969-T-A. GRCh37 (hg19) VCF-style: chr18-28648935-T-A.
Other names: c.2004A>T, p.Gly668= (NM_001406506.1, NM_001406507.1); c.2433A>T, p.Gly811= (NM_004949.5).
Identifiers: ClinVar variation 3386510 (VCV003386510.3).